The following is an entry in ClinVar:

ClinVar aggregate classification (germline): Uncertain significance (1 of 4 stars; one submission).

Submission:

Labcorp Genetics (formerly Invitae), Labcorp
Classification: Uncertain significance. Last evaluated: 2023-10-03. Review status: criteria provided, single submitter. Criteria: Invitae Variant Classification Sherloc (09022015). Collection method: clinical testing. Allele origin: germline.
Comment: This sequence change replaces proline, which is neutral and non-polar, with leucine, which is neutral and non-polar, at codon 1762 of the KMT2E protein (p.Pro1762Leu). This variant is not present in population databases (gnomAD no frequency). This variant has not been reported in the literature in individuals affected with KMT2E-related conditions. ClinVar contains an entry for this variant (Variation ID: 2073793). An algorithm developed to predict the effect of missense changes on protein structure and function (PolyPhen-2) suggests that this variant is likely to be tolerated. In summary, the available evidence is currently insufficient to determine the role of this variant in disease. Therefore, it has been classified as a Variant of Uncertain Significance.

NM_182931.3(KMT2E):c.5285C>T (p.Pro1762Leu)

Gene: KMT2E (lysine methyltransferase 2E (inactive); plus strand). Cytogenetic location: 7q22.3.
Variant type: single nucleotide variant.
Coding change: c.5285C>T on transcript NM_182931.3 (MANE Select); coding-DNA position 5285, C replaced by T.
Protein change: p.Pro1762Leu; replaces proline 1762 with leucine.
Molecular consequence: missense variant.
Genome position (GRCh38, 1-based): chr7:105,113,041, C>T. VCF-style: chr7-105113041-C-T. GRCh37 (hg19) VCF-style: chr7-104753488-C-T.
Other names: c.5159C>T, p.Pro1720Leu (NM_001410908.1); c.5285C>T, p.Pro1762Leu (NM_018682.4); short protein forms P1720L, P1762L.
Identifiers: ClinVar variation 2073793 (VCV002073793.4), dbSNP rs1799396369, ClinGen allele CA368794878.
Genomic context (GRCh38, chr7:105,113,041, plus strand): 5'-CACCTCATCAAGGACCTCCACTTTTTCCTTCGAGTGCTCATCCAACTGTACCACCGTATC[C>T]CTCACAAGCTACACATCATACCACTTTGGGACCGGGACCCCAGCACCAGCCTTCTGGAAC-3'
Protein context (NP_891847.1, residues 1752-1772): SSAHPTVPPY[Pro1762Leu]SQATHHTTLG